The following is an entry in ClinVar:

NM_000238.4(KCNH2):c.725_726delinsAA (p.Arg242Gln)

Gene: KCNH2 (potassium voltage-gated channel subfamily H member 2; minus strand). Cytogenetic location: 7q36.1.
Variant type: Indel.
Coding change: c.725_726delinsAA on transcript NM_000238.4 (MANE Select); coding-DNA positions 725 to 726, GC replaced by AA.
Protein change: p.Arg242Gln; replaces arginine 242 with glutamine.
Molecular consequence: missense variant.
Genome position (GRCh38, 1-based): chr7:150,958,249-150,958,250, GC replaced by TT on the plus strand (GC replaced by AA on the coding strand, the reverse complement: KCNH2 is on the minus strand). VCF-style: chr7-150958249-GC-TT. GRCh37 (hg19) VCF-style: chr7-150655337-GC-TT.
Other names: c.437_438delGCinsAA, p.Arg146Gln (NM_001406753.1, NM_001406756.1); c.548_549delGCinsAA, p.Arg183Gln (NM_001406755.1); c.425_426delGCinsAA, p.Arg142Gln (NM_001406757.1); c.725_726delGCinsAA, p.Arg242Gln (NM_172056.3); short protein forms R242Q, R146Q, R183Q, R142Q.
Identifiers: ClinVar variation 456938 (VCV000456938.8), dbSNP rs1554427803, ClinGen allele CA658656014.

ClinVar aggregate classification (germline): Uncertain significance (1 of 4 stars; one submission).

Conditions:
Long QT syndrome (LQTS). Identifiers: MedGen C0023976, MeSH D008133, MONDO:0002442. Disease mechanism: loss of function. Inheritance: Various modes of inheritance.

Submission:

Labcorp Genetics (formerly Invitae), Labcorp
Classification: Uncertain significance for Long QT syndrome. Last evaluated: 2017-05-27. Review status: criteria provided, single submitter. Criteria: Invitae Variant Classification Sherloc (09022015). Collection method: clinical testing. Allele origin: germline.
Comment: This sequence change replaces arginine with glutamine at codon 242 of the KCNH2 protein (p.Arg242Gln). The arginine residue is weakly conserved and there is a small physicochemical difference between arginine and glutamine. While this variant is not present in population databases, the frequency information is unreliable, as metrics indicate poor data quality at this position in the ExAC database. This variant has not been reported in the literature in individuals with a KCNH2-related disease. In summary, this variant has uncertain impact on KCNH2 function. The available evidence is currently insufficient to determine its role in disease. Therefore, it has been classified as a Variant of Uncertain Significance.